The following is an entry in ClinVar:

ClinVar aggregate classification (germline): Likely benign. Review status: criteria provided, multiple submitters, no conflicts (2 of 4 stars). 2 submissions from 2 submitters: Likely benign (2). Last evaluated 2022-08-01.

Allele frequency attached by ClinVar (database versions not stated): TOPMed below 0.00001; gnomAD 0.00002; gnomAD exomes 0.00002; ExAC 0.00003.
gnomAD v4.1: 24 of 1,588,524 alleles (0.0015%); highest among the groups gnomAD compares: South Asian, 0.02%; 6 homozygotes.

Submissions (2):

CeGaT Center for Human Genetics Tuebingen
Classification: Likely benign. Last evaluated: 2022-08-01. Review status: criteria provided, single submitter. Criteria: CeGaT Center For Human Genetics Tuebingen Variant Classification Criteria Version 2. Collection method: clinical testing. Allele origin: germline. Affected: yes. Observed: 1 variant allele.
Comment: DMBT1: BP4, BP7

Breakthrough Genomics
Classification: Likely benign. Review status: criteria provided, single submitter. Criteria: ACMG Guidelines, 2015. Collection method: not provided. Allele origin: germline. Inheritance: Unknown mechanism. Affected: yes.

NM_001377530.1(DMBT1):c.2088T>C (p.Asp696=)

Gene: DMBT1 (deleted in malignant brain tumors 1; plus strand). Cytogenetic location: 10q26.13.
Variant type: single nucleotide variant.
Coding change: c.2088T>C on transcript NM_001377530.1 (MANE Select); coding-DNA position 2088, T replaced by C.
Protein change: p.Asp696=; no amino-acid change (aspartic acid 696 retained).
Molecular consequence: synonymous variant. On other transcripts: intron variant (1).
Genome position (GRCh38, 1-based): chr10:122,589,248, T>C. VCF-style: chr10-122589248-T-C. GRCh37 (hg19) VCF-style: chr10-124348764-T-C.
Other names: c.2088T>C, p.Asp696= (NM_001320644.2, NM_007329.3); c.2058T>C, p.Asp686= (NM_017579.3); c.1420+4897T>C (NM_004406.3).
Identifiers: ClinVar variation 2640932 (VCV002640932.25), dbSNP rs764944464, ClinGen allele CA5727011.
Genomic context (GRCh38, chr10:122,589,248, plus strand): 5'-CTACCTGTGGAGCTGCCCCAACAATGGCTGGCTCTCCCACAACTGTGGCCATCATGAAGA[T>C]GCTGGTGTCATCTGCTCAGGTGGGCCTCCAGCAATTTTGGTTTCCTCTCTTGGGGTAGAT-3'
Protein context (NP_001364459.1, residues 686-706): WLSHNCGHHE[Asp696=]AGVICSAAQS